The following is an entry in ClinVar:

ClinVar aggregate classification (germline): Benign. Review status: criteria provided, single submitter (1 of 4 stars). 2 submissions from 2 submitters: Benign (1). 1 of the submissions does not count toward it. Last evaluated 2019-12-31.

Conditions:
USP26-related disorder. Also called: USP26-related condition.

Allele frequency attached by ClinVar (database versions not stated): 1000 Genomes Project 0.00132; 1000 Genomes Project 30x 0.00166; gnomAD 0.00277 and 0.00281; ExAC 0.00278; TOPMed 0.00297; gnomAD exomes 0.00306 and 0.00459; ESP Exome Variant Server 0.00379.

Submissions (2):

Labcorp Genetics (formerly Invitae), Labcorp
Classification: Benign. Last evaluated: 2019-12-31. Review status: criteria provided, single submitter. Criteria: Invitae Variant Classification Sherloc (09022015). Collection method: clinical testing. Allele origin: germline.

PreventionGenetics, part of Exact Sciences
Classification: Likely benign for USP26-related condition. Last evaluated: 2019-06-18. Review status: no assertion criteria provided. Collection method: clinical testing. Allele origin: germline. Not counted in ClinVar's aggregate classification.
Comment: This variant is classified as likely benign based on ACMG/AMP sequence variant interpretation guidelines (Richards et al. 2015 PMID: 25741868, with internal and published modifications).

NM_031907.3(USP26):c.2088A>G (p.Pro696=)

Gene: USP26 (ubiquitin specific peptidase 26; minus strand). Cytogenetic location: Xq26.2.
Variant type: single nucleotide variant.
Coding change: c.2088A>G on transcript NM_031907.3 (MANE Select); coding-DNA position 2088, A replaced by G.
Protein change: p.Pro696=; no amino-acid change (proline 696 retained).
Molecular consequence: synonymous variant.
Genome position (GRCh38, 1-based): chrX:133,026,133, T>C on the plus strand (A>G on the coding strand, the complement: USP26 is on the minus strand). VCF-style: chrX-133026133-T-C. GRCh37 (hg19) VCF-style: chrX-132160161-T-C.
Identifiers: ClinVar variation 771230 (VCV000771230.6), dbSNP rs149384548, ClinGen allele CA10519815.